The following is an entry in ClinVar:

NM_001271.4(CHD2):c.5324A>C (p.Gln1775Pro)

Gene: CHD2 (chromodomain helicase DNA binding protein 2; plus strand). Cytogenetic location: 15q26.1.
Variant type: single nucleotide variant.
Coding change: c.5324A>C on transcript NM_001271.4 (MANE Select); coding-DNA position 5324, A replaced by C.
Protein change: p.Gln1775Pro; replaces glutamine 1775 with proline.
Molecular consequence: missense variant.
Genome position (GRCh38, 1-based): chr15:93,024,542, A>C. VCF-style: chr15-93024542-A-C. GRCh37 (hg19) VCF-style: chr15-93567772-A-C.
Other names: short protein forms Q1775P.
Identifiers: ClinVar variation 2104647 (VCV002104647.4), dbSNP rs2505650881, ClinGen allele CA393908551.

ClinVar aggregate classification (germline): Uncertain significance (1 of 4 stars; one submission).

Conditions:
Developmental and epileptic encephalopathy 94 (DEE94). Also called: CHD2-Related Neurodevelopmental Disorders; Epileptic encephalopathy, childhood-onset. Identifiers: Orphanet 1942, Orphanet 2382, MedGen C3809278, MONDO:0014150, OMIM 615369.

Allele frequency attached by ClinVar (database versions not stated): gnomAD exomes below 0.00001.
gnomAD v4.1: 2 of 1,614,180 alleles (0.00012%); highest among the groups gnomAD compares: Non-Finnish European, 0.00017%; no homozygotes.

Submission:

Labcorp Genetics (formerly Invitae), Labcorp
Classification: Uncertain significance for Developmental and epileptic encephalopathy 94. Last evaluated: 2023-11-27. Review status: criteria provided, single submitter. Criteria: Invitae Variant Classification Sherloc (09022015). Collection method: clinical testing. Allele origin: germline.
Comment: This sequence change replaces glutamine, which is neutral and polar, with proline, which is neutral and non-polar, at codon 1775 of the CHD2 protein (p.Gln1775Pro). This variant is not present in population databases (gnomAD no frequency). This variant has not been reported in the literature in individuals affected with CHD2-related conditions. ClinVar contains an entry for this variant (Variation ID: 2104647). Advanced modeling of protein sequence and biophysical properties (such as structural, functional, and spatial information, amino acid conservation, physicochemical variation, residue mobility, and thermodynamic stability) performed at Invitae indicates that this missense variant is not expected to disrupt CHD2 protein function with a negative predictive value of 95%. In summary, the available evidence is currently insufficient to determine the role of this variant in disease. Therefore, it has been classified as a Variant of Uncertain Significance.